The following is an entry in ClinVar:

NM_001042492.3(NF1):c.2434del (p.Ile812fs)

Gene: NF1 (neurofibromin 1; plus strand). Cytogenetic location: 17q11.2.
Variant type: Deletion.
Coding change: c.2434del on transcript NM_001042492.3 (MANE Select); coding-DNA position 2434, one base deleted (A; older notation c.2434delA).
Protein change: p.Ile812fs; shifts the reading frame from isoleucine 812.
Molecular consequence: frameshift variant.
Genome position (GRCh38, 1-based): chr17:31,229,049, A deleted. VCF-style (leftmost placement, unchanged base first): chr17-31229048-CA-C. GRCh37 (hg19) VCF-style: chr17-29556066-CA-C.
Other names: c.2434delA, p.Ile812Leufs (NM_000267.4); c.2434delA (NM_000267.3); short protein forms I812fs.
Identifiers: ClinVar variation 574941 (VCV000574941.5), dbSNP rs1567848739, ClinGen allele CA891844371.
Genomic context (GRCh38, chr17:31,229,048, plus strand): 5'-GTTTAATTCATGCTTTGCACAAAAATTTTGTGTTTAGGCTGCTGAAAGCCTTCACAAGAC[CA>C]TTGTTAAGAGGCGAATGTCCCATGTGAGTGGAGGAGGATCCATAGATTTGTCTGACACAG-3'

ClinVar aggregate classification (germline): Pathogenic (1 of 4 stars; one submission).

Conditions:
Neurofibromatosis, type 1 (NF1). Also called: Peripheral type neurofibromatosis; Neurofibromatosis, type I; VON RECKLINGHAUSEN DISEASE; NEUROFIBROMATOSIS, TYPE I, SOMATIC. Identifiers: Orphanet 636, MedGen C0027831, MONDO:0018975, OMIM 162200. Disease mechanism: loss of function.

Submission:

Labcorp Genetics (formerly Invitae), Labcorp
Classification: Pathogenic for Neurofibromatosis, type 1. Last evaluated: 2018-04-23. Review status: criteria provided, single submitter. Criteria: Invitae Variant Classification Sherloc (09022015). Collection method: clinical testing. Allele origin: germline.
Comment: This sequence change creates a premature translational stop signal (p.Ile812Leufs*9) in the NF1 gene. It is expected to result in an absent or disrupted protein product. For these reasons, this variant has been classified as Pathogenic. Loss-of-function variants in NF1 are known to be pathogenic (PMID: 10712197, 23913538). This variant has not been reported in the literature in individuals with NF1-related disease. This variant is not present in population databases (ExAC no frequency).

Literature cited by the submitters: PubMed 10712197; PubMed 23913538.